The following is an entry in ClinVar:

NM_032043.3(BRIP1):c.455A>G (p.Asp152Gly)

Gene: BRIP1 (BRCA1 interacting DNA helicase 1; minus strand). Cytogenetic location: 17q23.2.
Variant type: single nucleotide variant.
Coding change: c.455A>G on transcript NM_032043.3 (MANE Select); coding-DNA position 455, A replaced by G.
Protein change: p.Asp152Gly; replaces aspartic acid 152 with glycine.
Molecular consequence: missense variant.
Genome position (GRCh38, 1-based): chr17:61,849,181, T>C on the plus strand (A>G on the coding strand, the complement: BRIP1 is on the minus strand). VCF-style: chr17-61849181-T-C. GRCh37 (hg19) VCF-style: chr17-59926542-T-C.
Other names: short protein forms D152G.
Identifiers: ClinVar variation 1055621 (VCV001055621.10), dbSNP rs2145763474, ClinGen allele CA400484456.

ClinVar aggregate classification (germline): Uncertain significance (1 of 4 stars; one submission).

Conditions:
Fanconi anemia complementation group J. Also called: BRIP1-Related Fanconi Anemia. Identifiers: Orphanet 84, MedGen C1836860, MONDO:0012187, OMIM 609054.
Familial cancer of breast. Also called: hereditary breast carcinoma; Hereditary breast cancer; BREAST CANCER, FAMILIAL. Identifiers: Orphanet 227535, MedGen C0346153, MONDO:0016419, OMIM 114480. Disease mechanism: loss of function.

Allele frequency attached by ClinVar (database versions not stated): gnomAD exomes below 0.00001.
gnomAD v4.1: 2 of 1,613,484 alleles (0.00012%); highest among the groups gnomAD compares: Non-Finnish European, 0.00017%; no homozygotes.

Submission:

Labcorp Genetics (formerly Invitae), Labcorp
Classification: Uncertain significance for Familial cancer of breast; Fanconi anemia complementation group J. Last evaluated: 2024-11-20. Review status: criteria provided, single submitter. Criteria: Invitae Variant Classification Sherloc (09022015). Collection method: clinical testing. Allele origin: germline.
Comment: This sequence change replaces aspartic acid, which is acidic and polar, with glycine, which is neutral and non-polar, at codon 152 of the BRIP1 protein (p.Asp152Gly). This variant is not present in population databases (gnomAD no frequency). This variant has not been reported in the literature in individuals affected with BRIP1-related conditions. ClinVar contains an entry for this variant (Variation ID: 1055621). Invitae Evidence Modeling of protein sequence and biophysical properties (such as structural, functional, and spatial information, amino acid conservation, physicochemical variation, residue mobility, and thermodynamic stability) has been performed for this missense variant. However, the output from this modeling did not meet the statistical confidence thresholds required to predict the impact of this variant on BRIP1 protein function. In summary, the available evidence is currently insufficient to determine the role of this variant in disease. Therefore, it has been classified as a Variant of Uncertain Significance.